The following is an entry in ClinVar:

ClinVar aggregate classification (germline): Likely pathogenic. Review status: criteria provided, multiple submitters, no conflicts (2 of 4 stars). 2 submissions from 2 submitters: Likely pathogenic (2). Last evaluated 2025-05-15.

Conditions:
Familial thoracic aortic aneurysm and aortic dissection (TAAD). Also called: Thoracic aortic aneurysms and dissections. Identifiers: Orphanet 91387, MedGen C4707243, MONDO:0019625.
Ehlers-Danlos syndrome, type 4 (EDSVASC). Also called: Ehlers-Danlos Syndrome Type IV; Ehlers-Danlos syndrome vascular type; Ehlers Danlos syndrome, ecchymotic type; Ehlers Danlos syndrome, arterial type; Ehlers Danlos syndrome, Sack-Barabas type. Identifiers: Orphanet 286, MedGen C0268338, MONDO:0017314, OMIM 130050.

Submissions (2):

Color Diagnostics, LLC DBA Color Health
Classification: Likely pathogenic for Familial thoracic aortic aneurysm and aortic dissection. Last evaluated: 2025-05-15. Review status: criteria provided, single submitter. Criteria: ACMG Guidelines, 2015. Collection method: clinical testing. Allele origin: germline.
Comment: This variant changes one of the conserved glycine residues within the Gly-Xaa-Yaa repeat motifs of the triple helical domain of the COL3A1 protein. Although functional studies have not been reported for this variant, conserved glycine residues within the Gly-Xaa-Yaa repeats are required for the structural stability of fibrillar collagens (PMID: 7695699, 8218237, 19344236) and missense variants occurring at these glycine residues have been associated with disease (PMID: 24922459, 25758994). Computational prediction suggests that this variant may have a deleterious impact on protein structure and function. This variant has not been reported in individuals affected with COL3A1-related disorders in the literature. This variant has not been identified in the general population by the Genome Aggregation Database (gnomAD). A different variant affecting the same codon, p.Gly750Asp, is considered to be disease-causing, suggesting that glycine at this position is important for COL3A1 protein function. Based on the available evidence, this variant is classified as Likely Pathogenic.

Labcorp Genetics (formerly Invitae), Labcorp
Classification: Likely pathogenic for Ehlers-Danlos syndrome, type 4. Last evaluated: 2020-01-30. Review status: criteria provided, single submitter. Criteria: Invitae Variant Classification Sherloc (09022015). Collection method: clinical testing. Allele origin: germline.
Comment: This sequence change replaces glycine with arginine at codon 750 of the COL3A1 protein (p.Gly750Arg). The glycine residue is highly conserved and there is a moderate physicochemical difference between glycine and arginine. This variant is not present in population databases (ExAC no frequency). In summary, the currently available evidence indicates that the variant is pathogenic, but additional data are needed to prove that conclusively. Therefore, this variant has been classified as Likely Pathogenic. Glycine residues within the Gly-Xaa-Yaa repeats of the triple helix domain are required for the structure and stability of fibrillar collagens (PMID: 7695699, 8218237, 19344236). In COL3A1, variants that affect these glycine residues are significantly enriched in individuals with disease (PMID: 24922459, 25758994) compared to the general population (ExAC). Algorithms developed to predict the effect of missense changes on protein structure and function are either unavailable or do not agree on the potential impact of this missense change (SIFT: "Deleterious"; PolyPhen-2: "Not Available"; Align-GVGD: "Class C65"). This variant has not been reported in the literature in individuals with COL3A1-related conditions.

Literature cited by the submitters: PubMed 7695699 (cited by Color Diagnostics, LLC DBA Color Health and Labcorp Genetics (formerly Invitae), Labcorp); PubMed 8218237 (cited by Color Diagnostics, LLC DBA Color Health and Labcorp Genetics (formerly Invitae), Labcorp); PubMed 19344236 (cited by Color Diagnostics, LLC DBA Color Health and Labcorp Genetics (formerly Invitae), Labcorp); PubMed 24922459 (cited by Color Diagnostics, LLC DBA Color Health and Labcorp Genetics (formerly Invitae), Labcorp); PubMed 25758994 (cited by Color Diagnostics, LLC DBA Color Health and Labcorp Genetics (formerly Invitae), Labcorp).

NM_000090.4(COL3A1):c.2248G>C (p.Gly750Arg)

Gene: COL3A1 (collagen type III alpha 1 chain; plus strand). Cytogenetic location: 2q32.2.
Variant type: single nucleotide variant.
Coding change: c.2248G>C on transcript NM_000090.4 (MANE Select); coding-DNA position 2248, G replaced by C.
Protein change: p.Gly750Arg; replaces glycine 750 with arginine.
Molecular consequence: missense variant.
Genome position (GRCh38, 1-based): chr2:188,999,860, G>C. VCF-style: chr2-188999860-G-C. GRCh37 (hg19) VCF-style: chr2-189864586-G-C.
Other names: short protein forms G750R.
Identifiers: ClinVar variation 844024 (VCV000844024.14), dbSNP rs1688418367, ClinGen allele CA349841141.
Genomic context (GRCh38, chr2:188,999,860, plus strand): 5'-GAAGATACTTTGAATCTGATGACATTGGCTTTTATTTGACAGGGTGAACCAGGCGGTCCA[G>C]GTGCTGATGGTGTCCCAGGGAAAGATGGCCCAAGGGTGAGTATTCCCAGTGAGGAGAAGC-3'
Protein context (NP_000081.2, residues 740-760): KGDKGEPGGP[Gly750Arg]ADGVPGKDGP